The following is an entry in ClinVar:

NM_001267550.2(TTN):c.53068_53069del (p.Thr17689_Leu17690insTer)

Genes: TTN-AS1 (TTN antisense RNA 1; plus strand), TTN (titin; minus strand), LOC126806425 (BRD4-independent group 4 enhancer GRCh37_chr2:179471933-179473132; plus strand). Cytogenetic location: 2q31.2.
Variant type: Microsatellite.
Coding change: c.53068_53069del on transcript NM_001267550.2 (MANE Select); coding-DNA positions 53068 to 53069, 2 bases deleted (CT; older notation c.53068_53069delCT).
Protein change: p.Thr17689_Leu17690insTer.
Molecular consequence: nonsense.
Genome position (GRCh38, 1-based): chr2:178,607,619-178,607,620, AG deleted on the plus strand (CT on the coding strand, the reverse complement: TTN is on the minus strand); deleting any 2 consecutive bases within chr2:178,607,619-178,607,622 gives the same sequence; the c. name uses the placement nearest the transcript's 3' end. VCF-style (leftmost placement, unchanged base first): chr2-178607618-AAG-A. GRCh37 (hg19) VCF-style: chr2-179472345-AAG-A.
Other names: c.48145_48146del, p.Thr16048_Leu16049insTer (NM_001256850.1); c.25873_25874del, p.Thr8624_Leu8625insTer (NM_003319.4); c.45364_45365del, p.Thr15121_Leu15122insTer (NM_133378.4); c.26248_26249del, p.Thr8749_Leu8750insTer (NM_133432.3); c.26449_26450del, p.Thr8816_Leu8817insTer (NM_133437.4).
Identifiers: ClinVar variation 1067985 (VCV001067985.7), dbSNP rs2154197040, ClinGen allele CA2580614527.
Genomic context (GRCh38, chr2:178,607,618, plus strand): 5'-TTCTTCTTTGGTCCATACTTTTGTAGGTACAGGGCGACCAGTCACCACAGCTGGAATTCT[AAG>A]AGTCTTCCCAGCCATTATTTGTATTCCACCCTTGACAGAAACATCCAGTTCCACAGCTGG-3'

ClinVar aggregate classification (germline): Likely pathogenic (1 of 4 stars; one submission).

Conditions:
Dilated cardiomyopathy 1G (CMD1G). Identifiers: Orphanet 154, MedGen C1858763, MONDO:0011400, OMIM 604145.
Autosomal recessive limb-girdle muscular dystrophy type 2J (LGMDR10). Also called: Limb-girdle muscular dystrophy, type 2J; MUSCULAR DYSTROPHY, LIMB-GIRDLE, AUTOSOMAL RECESSIVE 10. Identifiers: Orphanet 140922, MedGen C1837342, MONDO:0012127, OMIM 608807.

Submission:

Labcorp Genetics (formerly Invitae), Labcorp
Classification: Likely pathogenic for Dilated cardiomyopathy 1G; Autosomal recessive limb-girdle muscular dystrophy type 2J. Last evaluated: 2024-06-22. Review status: criteria provided, single submitter. Criteria: Invitae Variant Classification Sherloc (09022015). Collection method: clinical testing. Allele origin: germline.
Comment: This sequence change creates a premature translational stop signal (p.Leu17690*) in the TTN gene. While this is not anticipated to result in nonsense mediated decay, it is expected to create a truncated TTN protein. This variant is not present in population databases (gnomAD no frequency). This variant has not been reported in the literature in individuals affected with TTN-related conditions. ClinVar contains an entry for this variant (Variation ID: 1067985). This variant is located in the A band of TTN (PMID: 25589632). Truncating variants in this region are significantly overrepresented in patients affected with dilated cardiomyopathy (PMID: 25589632). Truncating variants in this region have also been reported in individuals affected with autosomal recessive centronuclear myopathy (PMID: 23975875). In summary, the currently available evidence indicates that the variant is pathogenic, but additional data are needed to prove that conclusively. Therefore, this variant has been classified as Likely Pathogenic.

Literature cited by the submitters: PubMed 25589632; PubMed 23975875.